The following is an entry in ClinVar:

NM_173354.5(SIK1):c.42G>C (p.Gln14His)

Gene: SIK1 (salt inducible kinase 1; minus strand). Cytogenetic location: 21q22.3.
Variant type: single nucleotide variant.
Coding change: c.42G>C on transcript NM_173354.5 (MANE Select); coding-DNA position 42, G replaced by C.
Protein change: p.Gln14His; replaces glutamine 14 with histidine.
Molecular consequence: missense variant.
Genome position (GRCh38, 1-based): chr21:43,426,137, C>G on the plus strand (G>C on the coding strand, the complement: SIK1 is on the minus strand). VCF-style: chr21-43426137-C-G. GRCh37 (hg19) VCF-style: chr21-44846017-C-G.
Other names: short protein forms Q14H.
Identifiers: ClinVar variation 2887458 (VCV002887458.3), dbSNP rs752082877, ClinGen allele CA321330054.

ClinVar aggregate classification (germline): Uncertain significance (1 of 4 stars; one submission).

Conditions:
Developmental and epileptic encephalopathy, 30 (DEE30). Also called: Epileptic encephalopathy, early infantile, 30. Identifiers: MedGen C4225360, MONDO:0014595, OMIM 616341.

Allele frequency attached by ClinVar (database versions not stated): ExAC 0.00003.

Submission:

Labcorp Genetics (formerly Invitae), Labcorp
Classification: Uncertain significance for Developmental and epileptic encephalopathy, 30. Last evaluated: 2024-05-02. Review status: criteria provided, single submitter. Criteria: Invitae Variant Classification Sherloc (09022015). Collection method: clinical testing. Allele origin: germline.
Comment: This sequence change replaces glutamine, which is neutral and polar, with histidine, which is basic and polar, at codon 14 of the SIK1 protein (p.Gln14His). This variant is present in population databases (rs752082877, gnomAD 0.002%). This variant has not been reported in the literature in individuals affected with SIK1-related conditions. Advanced modeling of protein sequence and biophysical properties (such as structural, functional, and spatial information, amino acid conservation, physicochemical variation, residue mobility, and thermodynamic stability) performed at Invitae indicates that this missense variant is not expected to disrupt SIK1 protein function with a negative predictive value of 95%. In summary, the available evidence is currently insufficient to determine the role of this variant in disease. Therefore, it has been classified as a Variant of Uncertain Significance.